The following is an entry in ClinVar:

NM_001197104.2(KMT2A):c.1022C>T (p.Thr341Ile)

Gene: KMT2A (lysine methyltransferase 2A; plus strand). Cytogenetic location: 11q23.3.
Variant type: single nucleotide variant.
Coding change: c.1022C>T on transcript NM_001197104.2 (MANE Select); coding-DNA position 1022, C replaced by T.
Protein change: p.Thr341Ile; replaces threonine 341 with isoleucine.
Molecular consequence: missense variant.
Genome position (GRCh38, 1-based): chr11:118,472,181, C>T. VCF-style: chr11-118472181-C-T. GRCh37 (hg19) VCF-style: chr11-118342896-C-T.
Other names: c.1022C>T, p.Thr341Ile (NM_005933.4); short protein forms T341I.
Identifiers: ClinVar variation 1470701 (VCV001470701.8), dbSNP rs782573096, ClinGen allele CA6303364.
Genomic context (GRCh38, chr11:118,472,181, plus strand): 5'-ATTCTGAACTGGAAAAGCCCCAGAAAGTCCGGAAAGACAAGGAAGGAACACCTCCACTTA[C>T]AAAAGAAGATAAGACAGTTGTCAGACAAAGCCCTCGAAGGATTAAGCCAGTTAGGATTAT-3'
Protein context (NP_001184033.1, residues 331-351): RKDKEGTPPL[Thr341Ile]KEDKTVVRQS

ClinVar aggregate classification (germline): Uncertain significance (1 of 4 stars; one submission).

Allele frequency attached by ClinVar (database versions not stated): ExAC 0.00002; gnomAD exomes 0.00002.
gnomAD v4.1: 18 of 1,613,798 alleles (0.0011%); highest among the groups gnomAD compares: South Asian, 0.016%; no homozygotes.

Submission:

Labcorp Genetics (formerly Invitae), Labcorp
Classification: Uncertain significance. Last evaluated: 2023-11-24. Review status: criteria provided, single submitter. Criteria: Invitae Variant Classification Sherloc (09022015). Collection method: clinical testing. Allele origin: germline.
Comment: This sequence change replaces threonine, which is neutral and polar, with isoleucine, which is neutral and non-polar, at codon 341 of the KMT2A protein (p.Thr341Ile). This variant is present in population databases (rs782573096, gnomAD 0.02%). This variant has not been reported in the literature in individuals affected with KMT2A-related conditions. ClinVar contains an entry for this variant (Variation ID: 1470701). Advanced modeling of protein sequence and biophysical properties (such as structural, functional, and spatial information, amino acid conservation, physicochemical variation, residue mobility, and thermodynamic stability) has been performed at Invitae for this missense variant, however the output from this modeling did not meet the statistical confidence thresholds required to predict the impact of this variant on KMT2A protein function. In summary, the available evidence is currently insufficient to determine the role of this variant in disease. Therefore, it has been classified as a Variant of Uncertain Significance.